The following is an entry in ClinVar:

NM_001042492.3(NF1):c.443A>G (p.Asn148Ser)

Gene: NF1 (neurofibromin 1; plus strand). Cytogenetic location: 17q11.2.
Variant type: single nucleotide variant.
Coding change: c.443A>G on transcript NM_001042492.3 (MANE Select); coding-DNA position 443, A replaced by G.
Protein change: p.Asn148Ser; replaces asparagine 148 with serine.
Molecular consequence: missense variant.
Genome position (GRCh38, 1-based): chr17:31,163,340, A>G. VCF-style: chr17-31163340-A-G. GRCh37 (hg19) VCF-style: chr17-29490358-A-G.
Other names: c.443A>G, p.Asn148Ser (NM_000267.4, NM_001128147.3); short protein forms N148S.
Identifiers: ClinVar variation 4883439 (VCV004883439.2).

ClinVar aggregate classification (germline): Uncertain significance (1 of 4 stars; one submission).

Submission:

Dasa
Classification: Uncertain significance. Last evaluated: 2025-07-09. Review status: criteria provided, single submitter. Criteria: DASA Assertion Criteria. Collection method: clinical testing. Allele origin: germline.
Comment: NM_001042492.3(NF1):c.443A>G (p.Asn148Ser) is a missense variant that results in the substitution of asparagine with serine. This variant is rare in population databases. The currently available literature and clinical evidence are not sufficient to establish a definitive association between this variant and the reported condition. Therefore, this variant is classified as a variant of uncertain significance.